The following is an entry in ClinVar:

ClinVar aggregate classification (germline): Uncertain significance (1 of 4 stars; one submission).

Allele frequency attached by ClinVar (database versions not stated): gnomAD exomes below 0.00001.
gnomAD v4.1: 2 of 1,467,706 alleles (0.00014%); highest among the groups gnomAD compares: African/African-American, 0.0028%; no homozygotes.

Submission:

GeneDx
Classification: Uncertain significance. Last evaluated: 2021-04-23. Review status: criteria provided, single submitter. Criteria: GeneDx Variant Classification Process June 2021. Collection method: clinical testing. Allele origin: germline. Affected: yes.
Comment: Canonical splice site variant expected to result in aberrant splicing, although in the absence of functional evidence the actual effect of this sequence change is unknown.; Has not been previously published as pathogenic or benign to our knowledge; No data available from control populations to assess the frequency of this variant

NM_001001548.3(CD36):c.-89-1G>A

Gene: CD36 (CD36 molecule (CD36 blood group); plus strand). Cytogenetic location: 7q21.11.
Variant type: single nucleotide variant.
Coding change: c.-89-1G>A on transcript NM_001001548.3 (MANE Select); the canonical splice acceptor site of the intron before 89 bases upstream of the start codon, G replaced by A.
Molecular consequence: splice acceptor variant. On other transcripts: 5 prime UTR variant (1), intron variant (2).
Genome position (GRCh38, 1-based): chr7:80,646,651, G>A. VCF-style: chr7-80646651-G-A. GRCh37 (hg19) VCF-style: chr7-80275967-G-A.
Other names: c.-90G>A (NM_001127444.2); c.-89-1G>A (NM_001371075.1, NM_001001547.3, NM_001371074.1 and 6 more transcripts); c.-571-1G>A (NM_001371081.1); c.-108-9889G>A (NM_001289911.2); c.-184-14412G>A (NM_001371080.1).
Identifiers: ClinVar variation 1321826 (VCV001321826.2), dbSNP rs2116401113, ClinGen allele CA2573052924.